The following is an entry in ClinVar:

ClinVar aggregate classification (germline): Uncertain significance (1 of 4 stars; one submission).

Allele frequency attached by ClinVar (database versions not stated): ExAC 0.00001; gnomAD 0.00001; TOPMed 0.00002; ESP Exome Variant Server 0.00008.
gnomAD v4.1: 1 of 1,607,370 alleles (0.000062%); highest among the groups gnomAD compares: African/African-American, 0.0013%; no homozygotes.

Submission:

Labcorp Genetics (formerly Invitae), Labcorp
Classification: Uncertain significance. Last evaluated: 2022-11-29. Review status: criteria provided, single submitter. Criteria: Invitae Variant Classification Sherloc (09022015). Collection method: clinical testing. Allele origin: germline.
Comment: This sequence change replaces serine, which is neutral and polar, with glycine, which is neutral and non-polar, at codon 1498 of the WDR62 protein (p.Ser1498Gly). This variant is present in population databases (rs370002578, gnomAD 0.007%). This variant has not been reported in the literature in individuals affected with WDR62-related conditions. Advanced modeling of protein sequence and biophysical properties (such as structural, functional, and spatial information, amino acid conservation, physicochemical variation, residue mobility, and thermodynamic stability) performed at Invitae indicates that this missense variant is not expected to disrupt WDR62 protein function. In summary, the available evidence is currently insufficient to determine the role of this variant in disease. Therefore, it has been classified as a Variant of Uncertain Significance.

NM_001083961.2(WDR62):c.4492A>G (p.Ser1498Gly)

Gene: WDR62 (WD repeat domain 62; plus strand). Cytogenetic location: 19q13.12.
Variant type: single nucleotide variant.
Coding change: c.4492A>G on transcript NM_001083961.2 (MANE Select); coding-DNA position 4492, A replaced by G.
Protein change: p.Ser1498Gly; replaces serine 1498 with glycine.
Molecular consequence: missense variant.
Genome position (GRCh38, 1-based): chr19:36,104,948, A>G. VCF-style: chr19-36104948-A-G. GRCh37 (hg19) VCF-style: chr19-36595850-A-G.
Other names: c.4477A>G, p.Ser1493Gly (NM_001411145.1, NM_173636.5); c.4243A>G, p.Ser1415Gly (NM_001411146.1); c.4141A>G, p.Ser1381Gly (NM_001411147.1); short protein forms S1381G, S1493G, S1415G, S1498G.
Identifiers: ClinVar variation 2027925 (VCV002027925.4), dbSNP rs370002578, ClinGen allele CA9396590.